The following is an entry in ClinVar:

NM_130466.4(UBE3B):c.58C>T (p.Arg20Ter)

Gene: UBE3B (ubiquitin protein ligase E3B; plus strand). Cytogenetic location: 12q24.11.
Variant type: single nucleotide variant.
Coding change: c.58C>T on transcript NM_130466.4 (MANE Select); coding-DNA position 58, C replaced by T.
Protein change: p.Arg20Ter; replaces arginine 20 with a stop codon.
Molecular consequence: nonsense.
Genome position (GRCh38, 1-based): chr12:109,483,609, C>T. VCF-style: chr12-109483609-C-T. GRCh37 (hg19) VCF-style: chr12-109921414-C-T.
Other names: c.58C>T, p.Arg20Ter (NM_001270449.2, NM_001270450.2, NM_001270451.2 and 1 more transcripts); short protein forms R20*.
Identifiers: ClinVar variation 2037898 (VCV002037898.4), dbSNP rs1158534509, ClinGen allele CA386628743.
Genomic context (GRCh38, chr12:109,483,609, plus strand): 5'-AACATGTTCACCCTGTCTCAGACCTCGAGAGCATGGTTCATCGATAGAGCCCGTCAGGCA[C>T]GAGAAGAAAGGCTTGTGCAGAAGGAACGGGAGCGGGCAGCTGTTGTGATCCAGGCCCATG-3'

ClinVar aggregate classification (germline): Pathogenic (1 of 4 stars; one submission).

Allele frequency attached by ClinVar (database versions not stated): gnomAD 0.00001.
gnomAD v4.1: 2 of 1,612,344 alleles (0.00012%); highest among the groups gnomAD compares: Admixed American, 0.0017%; no homozygotes.

Submission:

Labcorp Genetics (formerly Invitae), Labcorp
Classification: Pathogenic. Last evaluated: 2024-12-22. Review status: criteria provided, single submitter. Criteria: Invitae Variant Classification Sherloc (09022015). Collection method: clinical testing. Allele origin: germline.
Comment: This sequence change creates a premature translational stop signal (p.Arg20*) in the UBE3B gene. It is expected to result in an absent or disrupted protein product. Loss-of-function variants in UBE3B are known to be pathogenic (PMID: 23687348, 24615390). This variant is present in population databases (no rsID available, gnomAD 0.003%). This variant has not been reported in the literature in individuals affected with UBE3B-related conditions. ClinVar contains an entry for this variant (Variation ID: 2037898). For these reasons, this variant has been classified as Pathogenic.

Literature cited by the submitters: PubMed 23687348; PubMed 24615390.